The following is an entry in ClinVar:

ClinVar aggregate classification (germline): Uncertain significance (1 of 4 stars; one submission).

Conditions:
Familial thoracic aortic aneurysm and aortic dissection (TAAD). Also called: Thoracic aortic aneurysms and dissections. Identifiers: Orphanet 91387, MedGen C4707243, MONDO:0019625.

Submission:

Ambry Genetics
Classification: Uncertain significance for Familial thoracic aortic aneurysm and aortic dissection. Last evaluated: 2026-07-21. Review status: criteria provided, single submitter. Criteria: Ambry Variant Classification Scheme 2023. Collection method: clinical testing. Allele origin: germline.
Comment: The p.T1803I variant (also known as c.5408C>T), located in coding exon 42 of the FBN2 gene, results from a C to T substitution at nucleotide position 5408. The threonine at codon 1803 is replaced by isoleucine, an amino acid with similar properties. This amino acid position is conserved. In addition, the in silico prediction for this alteration is inconclusive. Based on the available evidence, the clinical significance of this variant remains unclear.

NM_001999.4(FBN2):c.5408C>T (p.Thr1803Ile)

Gene: FBN2 (fibrillin 2; minus strand). Cytogenetic location: 5q23.3.
Variant type: single nucleotide variant.
Coding change: c.5408C>T on transcript NM_001999.4 (MANE Select); coding-DNA position 5408, C replaced by T.
Protein change: p.Thr1803Ile; replaces threonine 1803 with isoleucine.
Molecular consequence: missense variant.
Genome position (GRCh38, 1-based): chr5:128,307,149, G>A on the plus strand (C>T on the coding strand, the complement: FBN2 is on the minus strand). VCF-style: chr5-128307149-G-A. GRCh37 (hg19) VCF-style: chr5-127642841-G-A.
Other names: short protein forms T1803I.
Identifiers: ClinVar variation 5021630 (VCV005021630.1).